The following is an entry in ClinVar:

ClinVar aggregate classification (germline): Uncertain significance (1 of 4 stars; one submission).

Submission:

GeneDx
Classification: Uncertain significance. Last evaluated: 2025-03-11. Review status: criteria provided, single submitter. Criteria: GeneDx Variant Classification Process June 2021. Collection method: clinical testing. Allele origin: germline. Affected: yes.
Comment: Not observed at significant frequency in large population cohorts (gnomAD); In silico analysis supports that this missense variant has a deleterious effect on protein structure/function; Has not been previously published as pathogenic or benign to our knowledge

NM_006516.4(SLC2A1):c.1256G>C (p.Gly419Ala)

Gene: SLC2A1 (solute carrier family 2 member 1; minus strand). Cytogenetic location: 1p34.2.
Variant type: single nucleotide variant.
Coding change: c.1256G>C on transcript NM_006516.4 (MANE Select); coding-DNA position 1256, G replaced by C.
Protein change: p.Gly419Ala; replaces glycine 419 with alanine.
Molecular consequence: missense variant.
Genome position (GRCh38, 1-based): chr1:42,927,627, C>G on the plus strand (G>C on the coding strand, the complement: SLC2A1 is on the minus strand). VCF-style: chr1-42927627-C-G. GRCh37 (hg19) VCF-style: chr1-43393298-C-G.
Other names: short protein forms G419A.
Identifiers: ClinVar variation 4082979 (VCV004082979.1).